The following is an entry in ClinVar:

NM_001004334.4(GPR179):c.1631A>G (p.Tyr544Cys)

Gene: GPR179 (G protein-coupled receptor 179; minus strand). Cytogenetic location: 17q12.
Variant type: single nucleotide variant.
Coding change: c.1631A>G on transcript NM_001004334.4 (MANE Select); coding-DNA position 1631, A replaced by G.
Protein change: p.Tyr544Cys; replaces tyrosine 544 with cysteine.
Molecular consequence: missense variant.
Genome position (GRCh38, 1-based): chr17:38,335,047, T>C on the plus strand (A>G on the coding strand, the complement: GPR179 is on the minus strand). VCF-style: chr17-38335047-T-C. GRCh37 (hg19) VCF-style: chr17-36490930-T-C.
Other names: short protein forms Y544C.
Identifiers: ClinVar variation 4621064 (VCV004621064.2).
Genomic context (GRCh38, chr17:38,335,047, plus strand): 5'-AGAGGCAGGGACCAGCGTAAGGCTGGGCTCAGCAGAAGCAGCTCACCCACAACCATGATG[T>C]AGTCCCAGCGGTCGTGGTGACAGAGGTAGAAATGGCGGCCACTGGGAGTGTGGCCTCGGA-3'
Protein context (NP_001004334.3, residues 534-554): FYLCHHDRWD[Tyr544Cys]IMVVAELLLL

ClinVar aggregate classification (germline): Uncertain significance. Review status: criteria provided, multiple submitters, no conflicts (2 of 4 stars). 2 submissions from 2 submitters: Uncertain significance (2). Last evaluated 2025-09-22.

Conditions:
Inborn genetic diseases. Identifiers: MedGen C0950123, MeSH D030342.

gnomAD v4.1: 2 of 1,612,836 alleles (0.00012%); highest among the groups gnomAD compares: East Asian, 0.0022%; no homozygotes.

Submissions (2):

Ambry Genetics
Classification: Uncertain significance for Inborn genetic diseases. Last evaluated: 2025-09-22. Review status: criteria provided, single submitter. Criteria: Ambry Variant Classification Scheme 2023. Collection method: clinical testing. Allele origin: germline.

Labcorp Genetics (formerly Invitae), Labcorp
Classification: Uncertain significance. Last evaluated: 2025-03-13. Review status: criteria provided, single submitter. Criteria: Invitae Variant Classification Sherloc (09022015). Collection method: clinical testing. Allele origin: germline.
Comment: This sequence change replaces tyrosine, which is neutral and polar, with cysteine, which is neutral and slightly polar, at codon 544 of the GPR179 protein (p.Tyr544Cys). This variant is not present in population databases (gnomAD no frequency). This variant has not been reported in the literature in individuals affected with GPR179-related conditions. An algorithm developed to predict the effect of missense changes on protein structure and function (PolyPhen-2) suggests that this variant is likely to be disruptive. In summary, the available evidence is currently insufficient to determine the role of this variant in disease. Therefore, it has been classified as a Variant of Uncertain Significance.